The following is an entry in ClinVar:

NM_000092.5(COL4A4):c.1666A>G (p.Lys556Glu)

Gene: COL4A4 (collagen type IV alpha 4 chain; minus strand). Cytogenetic location: 2q36.3.
Variant type: single nucleotide variant.
Coding change: c.1666A>G on transcript NM_000092.5 (MANE Select); coding-DNA position 1666, A replaced by G.
Protein change: p.Lys556Glu; replaces lysine 556 with glutamic acid.
Molecular consequence: missense variant.
Genome position (GRCh38, 1-based): chr2:227,082,145, T>C on the plus strand (A>G on the coding strand, the complement: COL4A4 is on the minus strand). VCF-style: chr2-227082145-T-C. GRCh37 (hg19) VCF-style: chr2-227946861-T-C.
Other names: short protein forms K556E.
Identifiers: ClinVar variation 2444358 (VCV002444358.1), dbSNP rs752442074, ClinGen allele CA2145101.

ClinVar aggregate classification (germline): Uncertain significance (1 of 4 stars; one submission).

Conditions:
Autosomal recessive Alport syndrome (ATS2). Also called: COL4A4 Alport Syndrome and Thin Basement Membrane Nephropathy; Alport syndrome type 2; ALPORT SYNDROME 2, AUTOSOMAL RECESSIVE; COL4A3-Related Nephropathy. Identifiers: Orphanet 63, Orphanet 88919, MedGen C4746745, MONDO:0008762, OMIM 203780.

Allele frequency attached by ClinVar (database versions not stated): ExAC 0.00001; gnomAD exomes 0.00002.
gnomAD v4.1: 34 of 1,614,184 alleles (0.0021%); highest among the groups gnomAD compares: East Asian, 0.076%; no homozygotes.

Submission:

3billion
Classification: Uncertain significance for Autosomal recessive Alport syndrome. Last evaluated: 2023-02-23. Review status: criteria provided, single submitter. Criteria: ACMG Guidelines, 2015. Collection method: clinical testing. Allele origin: unknown. Affected: yes.
Comment: The variant is observed at an extremely low frequency in the gnomAD v2.1.1 dataset (total allele frequency: 0.001%). In silico tool predictions suggest damaging effect of the variant on gene or gene product (REVEL: 0.62; 3Cnet: 0.59). Therefore, this variant is classified as VUS according to the recommendation of ACMG/AMP guideline.